The following is an entry in ClinVar:

NM_015378.4(VPS13D):c.11591T>G (p.Leu3864Arg)

Gene: VPS13D (vacuolar protein sorting 13 homolog D; plus strand). Cytogenetic location: 1p36.22.
Variant type: single nucleotide variant.
Coding change: c.11591T>G on transcript NM_015378.4 (MANE Select); coding-DNA position 11591, T replaced by G.
Protein change: p.Leu3864Arg; replaces leucine 3864 with arginine.
Molecular consequence: missense variant.
Genome position (GRCh38, 1-based): chr1:12,386,291, T>G. VCF-style: chr1-12386291-T-G. GRCh37 (hg19) VCF-style: chr1-12446350-T-G.
Other names: c.11516T>G, p.Leu3839Arg (NM_018156.4); short protein forms L3864R, L3839R.
Identifiers: ClinVar variation 1950656 (VCV001950656.5), dbSNP rs1644350285, ClinGen allele CA338502200.

ClinVar aggregate classification (germline): Uncertain significance (1 of 4 stars; one submission).

Submission:

Labcorp Genetics (formerly Invitae), Labcorp
Classification: Uncertain significance. Last evaluated: 2022-12-06. Review status: criteria provided, single submitter. Criteria: Invitae Variant Classification Sherloc (09022015). Collection method: clinical testing. Allele origin: germline.
Comment: In summary, the available evidence is currently insufficient to determine the role of this variant in disease. Therefore, it has been classified as a Variant of Uncertain Significance. Advanced modeling of protein sequence and biophysical properties (such as structural, functional, and spatial information, amino acid conservation, physicochemical variation, residue mobility, and thermodynamic stability) performed at Invitae indicates that this missense variant is not expected to disrupt VPS13D protein function. This variant has not been reported in the literature in individuals affected with VPS13D-related conditions. This variant is not present in population databases (gnomAD no frequency). This sequence change replaces leucine, which is neutral and non-polar, with arginine, which is basic and polar, at codon 3864 of the VPS13D protein (p.Leu3864Arg).